The following is an entry in ClinVar:

ClinVar aggregate classification (germline): Uncertain significance (1 of 4 stars; one submission).

Conditions:
Bloom syndrome (BLM). Also called: Bloom-Torre-Machacek syndrome. Identifiers: Orphanet 125, MedGen C0005859, MONDO:0008876, OMIM 210900.

Submission:

Labcorp Genetics (formerly Invitae), Labcorp
Classification: Uncertain significance for Bloom syndrome. Last evaluated: 2024-10-01. Review status: criteria provided, single submitter. Criteria: Invitae Variant Classification Sherloc (09022015). Collection method: clinical testing. Allele origin: germline.
Comment: This sequence change replaces phenylalanine, which is neutral and non-polar, with isoleucine, which is neutral and non-polar, at codon 492 of the BLM protein (p.Phe492Ile). This variant is not present in population databases (gnomAD no frequency). This variant has not been reported in the literature in individuals affected with BLM-related conditions. Invitae Evidence Modeling of protein sequence and biophysical properties (such as structural, functional, and spatial information, amino acid conservation, physicochemical variation, residue mobility, and thermodynamic stability) indicates that this missense variant is not expected to disrupt BLM protein function with a negative predictive value of 80%. In summary, the available evidence is currently insufficient to determine the role of this variant in disease. Therefore, it has been classified as a Variant of Uncertain Significance.

NM_000057.4(BLM):c.1474T>A (p.Phe492Ile)

Gene: BLM (BLM RecQ like helicase; plus strand). Cytogenetic location: 15q26.1.
Variant type: single nucleotide variant.
Coding change: c.1474T>A on transcript NM_000057.4 (MANE Select); coding-DNA position 1474, T replaced by A.
Protein change: p.Phe492Ile; replaces phenylalanine 492 with isoleucine.
Molecular consequence: missense variant.
Genome position (GRCh38, 1-based): chr15:90,760,847, T>A. VCF-style: chr15-90760847-T-A. GRCh37 (hg19) VCF-style: chr15-91304077-T-A.
Other names: c.1474T>A, p.Phe492Ile (NM_001287246.2, NM_001287247.2); c.349T>A, p.Phe117Ile (NM_001287248.2); short protein forms F117I, F492I.
Identifiers: ClinVar variation 3704123 (VCV003704123.2).